The following is an entry in ClinVar:

ClinVar aggregate classification (germline): Pathogenic/Likely pathogenic. Review status: criteria provided, multiple submitters, no conflicts (2 of 4 stars). 5 submissions from 4 submitters: Pathogenic (2); Likely pathogenic (3). Last evaluated 2021-07-15.

Conditions:
Inborn genetic diseases. Identifiers: MedGen C0950123, MeSH D030342.
Intellectual disability. Also called: intellectual disabilities; Intellectual functioning disability; Intellectual developmental disorder. Identifiers: MedGen C3714756, MeSH D008607, MONDO:0001071, HP:0001249.
Coffin-Siris syndrome 1 (CSS1). Also called: ARID1B-Related Coffin-Siris Syndrome; Mental retardation, autosomal dominant 12. Identifiers: Orphanet 1465, MedGen C3281201, MONDO:0007617, OMIM 135900. Disease mechanism: gain of function.

Submissions (5):

Genome-Nilou Lab
Classification: Likely pathogenic for Coffin-Siris syndrome 1. Last evaluated: 2021-07-15. Review status: criteria provided, single submitter. Criteria: ACMG Guidelines, 2015. Collection method: clinical testing. Allele origin: germline. Affected: no.

Institute of Human Genetics, University of Leipzig Medical Center
Classification: Likely pathogenic for Intellectual disability. Last evaluated: 2020-08-03. Review status: criteria provided, single submitter. Criteria: ACMG Guidelines, 2015. Collection method: clinical testing. Allele origin: unknown. Affected: yes.
Comment: Inheritance for this variant was unknown. The variant likely explains the NDD in this individual.

Institute of Human Genetics, University of Leipzig Medical Center
Classification: Likely pathogenic for Coffin-Siris syndrome 1. Last evaluated: 2018-08-16. Review status: criteria provided, single submitter. Criteria: ACMG Guidelines, 2015. Collection method: clinical testing. Allele origin: unknown. Inheritance: Autosomal dominant inheritance. Affected: yes.

Ambry Genetics
Classification: Pathogenic for Inborn genetic diseases. Last evaluated: 2018-06-07. Review status: criteria provided, single submitter. Criteria: Ambry exome assertion method (8-5-2015). Collection method: clinical testing. Allele origin: germline. Affected: yes. Observed: 1 variant allele.

Juno Genomics, Hangzhou Juno Genomics, Inc
Classification: Pathogenic for Coffin-Siris syndrome 1. Review status: criteria provided, single submitter. Criteria: ACMG Guidelines, 2015. Collection method: clinical testing. Allele origin: germline. Affected: yes.
Comment: Absent from controls (or at extremely low frequency if recessive) in Genome Aggregation Database.;Null variant in a gene where loss of function (LOF) is a known mechanism of disease.;De novo (both maternity and paternity confirmed) in a patient with the disease and no family history.

NM_001374828.1(ARID1B):c.1789C>T (p.Gln597Ter)

Gene: ARID1B (AT-rich interaction domain 1B; plus strand). Cytogenetic location: 6q25.3.
Variant type: single nucleotide variant.
Coding change: c.1789C>T on transcript NM_001374828.1 (MANE Select); coding-DNA position 1789, C replaced by T.
Protein change: p.Gln597Ter; replaces glutamine 597 with a stop codon.
Molecular consequence: nonsense.
Genome position (GRCh38, 1-based): chr6:156,779,469, C>T. VCF-style: chr6-156779469-C-T. GRCh37 (hg19) VCF-style: chr6-157100603-C-T.
Other names: c.1789C>T, p.Gln597Ter (NM_001374820.1, NM_017519.3, NM_001371656.1); c.1540C>T (NM_020732.3); short protein forms Q597*.
Identifiers: ClinVar variation 976075 (VCV000976075.10), dbSNP rs1779032666, ClinGen allele CA366385799.